The following is an entry in ClinVar:

NM_001367721.1(CASK):c.59+5G>A

Gene: CASK (calcium/calmodulin dependent serine protein kinase; minus strand). Cytogenetic location: Xp11.4.
Variant type: single nucleotide variant.
Coding change: c.59+5G>A on transcript NM_001367721.1 (MANE Select); 5 bases into the intron after coding-DNA position 59, G replaced by A.
Molecular consequence: intron variant.
Genome position (GRCh38, 1-based): chrX:41,922,925, C>T on the plus strand (G>A on the coding strand, the complement: CASK is on the minus strand). VCF-style: chrX-41922925-C-T. GRCh37 (hg19) VCF-style: chrX-41782178-C-T.
Other names: c.59+5G>A (NM_001126055.3, NM_001410745.1, NM_001126054.3 and 1 more transcripts).
Identifiers: ClinVar variation 4854753 (VCV004854753.1).
Genomic context (GRCh38, chrX:41,922,925, plus strand): 5'-GGGAAGACCGGGGCATCACTGAAATGCATTTTTCCACACTCCCGCTCCCTCGCGTGGAGA[C>T]TCACTTTCCGATCACCTCGCACAGCTCGTACACATCCTCGAACAGCACGTCGTCGTCGGC-3'

ClinVar aggregate classification (germline): Likely pathogenic (1 of 4 stars; one submission).

Conditions:
Syndromic X-linked intellectual disability Najm type (MICPCH). Also called: Intellectual Disability and Microcephaly with Pontine and Cerebellar Hypoplasia; Intellectual Disability and Microcephaly with Pontine and Cerebellar Hypoplasia (MICPCH); MICPCH SYNDROME; Intellectual developmental disorder and microcephaly with pontine and cerebellar hypoplasia; Mental retardation and microcephaly with pontine and cerebellar hypoplasia; MENTAL RETARDATION, X-LINKED, SYNDROMIC, NAJM TYPE. Identifiers: Orphanet 163937, MedGen C2677903, MONDO:0010417, OMIM 300749.

Submission:

3billion
Classification: Likely pathogenic for Syndromic X-linked intellectual disability Najm type. Last evaluated: 2026-01-30. Review status: criteria provided, single submitter. Criteria: ACMG Guidelines, 2015. Collection method: clinical testing. Allele origin: germline. Affected: yes.
Comment: The variant is not observed in the gnomAD v4.1.0 dataset. Predicted Consequence/Location: Intron variant In silico tools predict the variant to alter splicing and produce an abnormal transcript [SpliceAI: 0.97 (>=0.2, moderate evidence for spliceogenicity)]. Therefore, this variant is classified as Likely pathogenic according to the recommendation of ACMG/AMP guideline.